The following is an entry in ClinVar:

NM_006308.3(HSPB3):c.305C>A (p.Thr102Asn)

Gene: HSPB3 (heat shock protein family B (small) member 3; plus strand). Cytogenetic location: 5q11.2.
Variant type: single nucleotide variant.
Coding change: c.305C>A on transcript NM_006308.3 (MANE Select); coding-DNA position 305, C replaced by A.
Protein change: p.Thr102Asn; replaces threonine 102 with asparagine.
Molecular consequence: missense variant.
Genome position (GRCh38, 1-based): chr5:54,456,094, C>A. VCF-style: chr5-54456094-C-A. GRCh37 (hg19) VCF-style: chr5-53751924-C-A.
Other names: short protein forms T102N.
Identifiers: ClinVar variation 3374823 (VCV003374823.1).
Genomic context (GRCh38, chr5:54,456,094, plus strand): 5'-CTGAAGACATCATCATTCAGACCTTCGAAGGCTGGCTGCTGATAAAAGCACAACACGGAA[C>A]CAGAATGGATGAGCACGGTTTTATCTCAAGAAGCTTCACCCGACAGTACAAACTACCAGA-3'
Protein context (NP_006299.1, residues 92-112): GWLLIKAQHG[Thr102Asn]RMDEHGFISR

ClinVar aggregate classification (germline): Uncertain significance (1 of 4 stars; one submission).

Submission:

Women's Health and Genetics/Laboratory Corporation of America, LabCorp
Classification: Uncertain significance. Last evaluated: 2024-09-13. Review status: criteria provided, single submitter. Criteria: LabCorp Variant Classification Summary - May 2015. Collection method: clinical testing. Allele origin: germline.
Comment: Variant summary: HSPB3 c.305C>A (p.Thr102Asn) results in a non-conservative amino acid change located in the Heat shock protein beta-3 domain (IPR033894) of the encoded protein sequence. Three of five in-silico tools predict a benign effect of the variant on protein function. The variant allele was found at a frequency of 8e-06 in 251348 control chromosomes (gnomAD). The available data on variant occurrences in the general population are insufficient to allow any conclusion about variant significance. To our knowledge, no occurrence of c.305C>A in individuals affected with Neuronopathy, distal hereditary motor, type 2C and no experimental evidence demonstrating its impact on protein function have been reported. No submitters have cited clinical-significance assessments for this variant to ClinVar. Based on the evidence outlined above, the variant was classified as uncertain significance.